The following is an entry in ClinVar:

ClinVar aggregate classification (germline): Uncertain significance (1 of 4 stars; one submission).

Conditions:
Familial acute necrotizing encephalopathy (IIAE3). Also called: Susceptibility to Acute Necrotizing Encephalopathy 1; ENCEPHALOPATHY, ACUTE, INFECTION-INDUCED, SUSCEPTIBILITY TO, 3. Identifiers: Orphanet 88619, MedGen C2675556, MONDO:0011953, OMIM 608033.

Allele frequency attached by ClinVar (database versions not stated): gnomAD exomes 0.00002 and 0.00006; TOPMed 0.00005; gnomAD 0.00006; ExAC 0.00012.
gnomAD v4.1: 42 of 1,611,894 alleles (0.0026%); highest among the groups gnomAD compares: South Asian, 0.014%; no homozygotes.

Submission:

Labcorp Genetics (formerly Invitae), Labcorp
Classification: Uncertain significance for Familial acute necrotizing encephalopathy. Last evaluated: 2024-10-29. Review status: criteria provided, single submitter. Criteria: Invitae Variant Classification Sherloc (09022015). Collection method: clinical testing. Allele origin: germline.
Comment: This sequence change replaces isoleucine, which is neutral and non-polar, with leucine, which is neutral and non-polar, at codon 722 of the RANBP2 protein (p.Ile722Leu). The frequency data for this variant in the population databases is considered unreliable, as metrics indicate poor data quality at this position in the gnomAD database. This variant has not been reported in the literature in individuals affected with RANBP2-related conditions. ClinVar contains an entry for this variant (Variation ID: 537209). An algorithm developed to predict the effect of missense changes on protein structure and function outputs the following: PolyPhen-2: "Benign". The leucine amino acid residue is found in multiple mammalian species, which suggests that this missense change does not adversely affect protein function. In summary, the available evidence is currently insufficient to determine the role of this variant in disease. Therefore, it has been classified as a Variant of Uncertain Significance.

NM_006267.5(RANBP2):c.2164A>T (p.Ile722Leu)

Gene: RANBP2 (RAN binding protein 2; plus strand). Cytogenetic location: 2q13.
Variant type: single nucleotide variant.
Coding change: c.2164A>T on transcript NM_006267.5 (MANE Select); coding-DNA position 2164, A replaced by T.
Protein change: p.Ile722Leu; replaces isoleucine 722 with leucine.
Molecular consequence: missense variant.
Genome position (GRCh38, 1-based): chr2:108,753,933, A>T. VCF-style: chr2-108753933-A-T. GRCh37 (hg19) VCF-style: chr2-109370389-A-T.
Other names: short protein forms I722L.
Identifiers: ClinVar variation 537209 (VCV000537209.9), dbSNP rs746264200, ClinGen allele CA1822576.